The following is an entry in ClinVar:

NM_000414.4(HSD17B4):c.2176C>G (p.Leu726Val)

Gene: HSD17B4 (hydroxysteroid 17-beta dehydrogenase 4; plus strand). Cytogenetic location: 5q23.1.
Variant type: single nucleotide variant.
Coding change: c.2176C>G on transcript NM_000414.4 (MANE Select); coding-DNA position 2176, C replaced by G.
Protein change: p.Leu726Val; replaces leucine 726 with valine.
Molecular consequence: missense variant.
Genome position (GRCh38, 1-based): chr5:119,541,959, C>G. VCF-style: chr5-119541959-C-G. GRCh37 (hg19) VCF-style: chr5-118877654-C-G.
Other names: c.1756C>G, p.Leu586Val (NM_001292028.2); c.2104C>G, p.Leu702Val (NM_001292027.2); c.2122C>G, p.Leu708Val (NM_001199292.2); c.2251C>G, p.Leu751Val (NM_001199291.3); short protein forms L726V, L586V, L708V, L702V, L751V.
Identifiers: ClinVar variation 287598 (VCV000287598.18), dbSNP rs145728297, ClinGen allele CA3382536.

ClinVar aggregate classification (germline): Conflicting classifications of pathogenicity. Review status: criteria provided, conflicting classifications (1 of 4 stars). 7 submissions from 7 submitters: Uncertain significance (4); Likely benign (2). 1 of the submissions does not count toward it. Last evaluated 2026-01-07.

Conditions:
HSD17B4-related disorder. Also called: HSD17B4-related condition; HSD17B4-related disorders.
Inborn genetic diseases. Identifiers: MedGen C0950123, MeSH D030342.
Perrault syndrome 1 (PRLTS1). Also called: GONADAL DYSGENESIS, XX TYPE, WITH DEAFNESS; OVARIAN DYSGENESIS WITH SENSORINEURAL DEAFNESS. Identifiers: Orphanet 2855, Orphanet 642945, MedGen C4551721, MONDO:0009300, OMIM 233400.
Bifunctional peroxisomal enzyme deficiency (DBIF). Also called: D-bifunctional protein deficiency; DBP DEFICIENCY; PBFE DEFICIENCY. Identifiers: Orphanet 300, MedGen C0342870, MONDO:0009855, OMIM 261515. Disease mechanism: loss of function.
Perrault syndrome. Also called: Gonadal dysgenesis with auditory dysfunction, autosomal recessive inheritance. Identifiers: Orphanet 2855, MedGen C0685838, MONDO:0017312.

Allele frequency attached by ClinVar (database versions not stated): gnomAD exomes 0.00002 and 0.00010; ExAC 0.00015; ESP Exome Variant Server 0.00023; gnomAD 0.00033 and 0.00036; TOPMed 0.00033; 1000 Genomes Project 30x 0.00078; 1000 Genomes Project 0.00100.
gnomAD v4.1: 82 of 1,613,054 alleles (0.0051%); highest among the groups gnomAD compares: African/African-American, 0.1%; no homozygotes.

Submissions (7):

Labcorp Genetics (formerly Invitae), Labcorp
Classification: Likely benign for Perrault syndrome; Bifunctional peroxisomal enzyme deficiency. Last evaluated: 2026-01-07. Review status: criteria provided, single submitter. Criteria: Invitae Variant Classification Sherloc (09022015). Collection method: clinical testing. Allele origin: germline.

Ambry Genetics
Classification: Uncertain significance for Inborn genetic diseases. Last evaluated: 2025-08-24. Review status: criteria provided, single submitter. Criteria: Ambry Variant Classification Scheme 2023. Collection method: clinical testing. Allele origin: germline.

New York Genome Center
Classification: Uncertain significance for Bifunctional peroxisomal enzyme deficiency; Perrault syndrome 1. Last evaluated: 2021-05-14. Review status: criteria provided, single submitter. Criteria: NYGC Assertion Criteria 2020. Collection method: clinical testing. Allele origin: germline. Observed: 1 heterozygote. Study: CSER-NYCKidSeq.

GeneDx
Classification: Likely benign. Last evaluated: 2020-12-02. Review status: criteria provided, single submitter. Criteria: GeneDx Variant Classification Process June 2021. Collection method: clinical testing. Allele origin: germline. Affected: yes.

Blueprint Genetics
Classification: Uncertain significance. Last evaluated: 2019-12-26. Review status: criteria provided, single submitter. Criteria: ACMG Guidelines, 2015. Collection method: clinical testing. Allele origin: germline.

Eurofins Ntd Llc (ga)
Classification: Uncertain significance. Last evaluated: 2017-10-12. Review status: criteria provided, single submitter. Criteria: EGL Classification Definitions 2015. Collection method: clinical testing. Allele origin: germline. Observed: 3 variant alleles, 3 heterozygotes.

PreventionGenetics, part of Exact Sciences
Classification: Uncertain significance for HSD17B4-related condition. Last evaluated: 2024-01-12. Review status: no assertion criteria provided. Collection method: clinical testing. Allele origin: germline. Not counted in ClinVar's aggregate classification.
Comment: The HSD17B4 c.2176C>G variant is predicted to result in the amino acid substitution p.Leu726Val. To our knowledge, this variant has not been reported in the literature. This variant is reported in 0.13% of alleles in individuals of African descent in gnomAD. At this time, the clinical significance of this variant is uncertain due to the absence of conclusive functional and genetic evidence.